The following is an entry in ClinVar:

ClinVar aggregate classification (germline): Pathogenic. Review status: criteria provided, multiple submitters, no conflicts (2 of 4 stars). 6 submissions from 6 submitters: Pathogenic (5). 1 of the submissions does not count toward it. Last evaluated 2026-01-07.

Conditions:
CHD3-related disorders.
Snijders Blok-Campeau syndrome. Also called: INTELLECTUAL DEVELOPMENTAL DISORDER WITH MACROCEPHALY, SPEECH DELAY, AND DYSMORPHIC FACIES. Identifiers: Orphanet 599082, MedGen C4748701, MONDO:0032600, OMIM 618205.
Inborn genetic diseases. Identifiers: MedGen C0950123, MeSH D030342.
Intellectual disability. Also called: Intellectual developmental disorder; intellectual disabilities; Intellectual functioning disability. Identifiers: HP:0002122, MedGen C3714756, MeSH D008607, MONDO:0001071.

Submissions (6):

3billion
Classification: Pathogenic for Snijders Blok-Campeau syndrome. Last evaluated: 2026-01-07. Review status: criteria provided, single submitter. Criteria: ACMG Guidelines, 2015. Collection method: clinical testing. Allele origin: germline. Affected: yes.
Comment: The variant is not observed in the gnomAD v4.1.0 dataset. Predicted Consequence/Location: Missense variant In silico tool predictions suggest damaging effect of the variant on gene or gene product [REVEL: 0.78 (>=0.6, sensitivity 0.68 and specificity 0.92]. The same nucleotide change resulting in the same amino acid change has been previously reported as pathogenic/likely pathogenic with strong evidence (ClinVar ID: VCV000549733 /PMID: 30397230 /3billion dataset). The variant has been previously reported as de novo in a similarly affected individual (PMID: 30397230). The variant has been previously reported as assumed (i.e. paternity and maternity not confirmed) de novo in at least one similarly affected unrelated individual (3billion dataset). Different missense changes at the same codon (p.Arg985Pro, p.Arg985Trp) have been reported as pathogenic/likely pathogenic with strong evidence (ClinVar ID: VCV000520977, VCV002507027 /PMID: 28135719 /3billion dataset). Therefore, this variant is classified as Pathogenic according to the recommendation of ACMG/AMP guideline.

Ambry Genetics
Classification: Pathogenic for Inborn genetic diseases. Last evaluated: 2025-09-25. Review status: criteria provided, single submitter. Criteria: Ambry Variant Classification Scheme 2023. Collection method: clinical testing. Allele origin: germline.
Comment: The c.3131G>A (p.R1044Q) alteration is located in exon 18 (coding exon 18) of the CHD3 gene. This alteration results from a G to A substitution at nucleotide position 3131, causing the arginine (R) at amino acid position 1044 to be replaced by a glutamine (Q). This variant was not reported in population-based cohorts in the Genome Aggregation Database (gnomAD). This variant was reported in individual(s) with features consistent with Snijders Blok-Campeau syndrome; in at least one individual, it was determined to be de novo (Snijders Blok, 2018; Wright, 2024). This amino acid position is highly conserved in available vertebrate species. This missense alteration is located in a region that has a low rate of benign missense variation (Lek, 2016; Firth, 2009). This alteration is predicted to be deleterious by in silico analysis. Based on the available evidence, this alteration is classified as pathogenic.

GeneDx
Classification: Pathogenic. Last evaluated: 2023-01-30. Review status: criteria provided, single submitter. Criteria: GeneDx Variant Classification Process June 2021. Collection method: clinical testing. Allele origin: germline. Affected: yes.
Comment: Not observed in large population cohorts (gnomAD); In silico analysis supports that this missense variant has a deleterious effect on protein structure/function; In silico analysis suggests this variant may impact gene splicing. In the absence of RNA/functional studies, the actual effect of this sequence change is unknown.; This variant is associated with the following publications: (PMID: 30397230)

Blueprint Genetics
Classification: Pathogenic for CHD3-related disorders. Last evaluated: 2021-12-16. Review status: criteria provided, single submitter. Criteria: ACMG Guidelines, 2015. Collection method: clinical testing. Allele origin: de novo. Affected: yes. Observed: 1 variant allele.

SIB Swiss Institute of Bioinformatics
Classification: Pathogenic for Snijders Blok-Campeau syndrome. Last evaluated: 2019-02-19. Review status: criteria provided, single submitter. Criteria: ACMG Guidelines, 2015. Collection method: curation. Allele origin: unknown.
Comment: This variant is interpreted as a Pathogenic for Snijders Blok-Campeau syndrome, autosomal dominant. The following ACMG Tag(s) were applied: PM2 : Absent from controls (or at extremely low frequency if recessive) in Exome Sequencing Project, 1000 Genomes Project, or Exome Aggregation Consortium. PM6-Strong :PM6 upgraded in strength to Strong due to 2 independent de novo occurrences (PMID:30397230). PM1-supporting : PM1 downgraded in strength to Supporting. PP2 : Missense variant in a gene that has a low rate of benign missense variation and in which missense variants are a common mechanism of disease. PP3 :Multiple lines of computational evidence support a deleterious effect on the gene or gene product. PM5 : Novel missense change at an amino acid residue where a different missense change determined to be pathogenic has been seen before (PMID:30397230).

CHU Sainte-Justine Research Center, University of Montreal
Classification: Likely pathogenic for Intellectual disability. Last evaluated: 2018-05-03. Review status: no assertion criteria provided. Collection method: research. Allele origin: germline. Affected: yes. Not counted in ClinVar's aggregate classification.

Literature cited by the submitters: PubMed 28135719 (cited by 3billion); PubMed 30397230 (cited by 3 submitters); PubMed 38958063 (cited by Ambry Genetics).

NM_001005273.3(CHD3):c.2954G>A (p.Arg985Gln)

Gene: CHD3 (chromodomain helicase DNA binding protein 3; plus strand). Cytogenetic location: 17p13.1.
Variant type: single nucleotide variant.
Coding change: c.2954G>A on transcript NM_001005273.3 (MANE Select); coding-DNA position 2954, G replaced by A.
Protein change: p.Arg985Gln; replaces arginine 985 with glutamine.
Molecular consequence: missense variant.
Genome position (GRCh38, 1-based): chr17:7,900,707, G>A. VCF-style: chr17-7900707-G-A. GRCh37 (hg19) VCF-style: chr17-7804025-G-A.
Other names: c.3131G>A, p.Arg1044Gln (NM_001005271.3); c.2954G>A, p.Arg985Gln (NM_005852.4); short protein forms R985Q, R1044Q.
Identifiers: ClinVar variation 549733 (VCV000549733.14), dbSNP rs1567856331, ClinGen allele CA397940728.
Genomic context (GRCh38, chr17:7,900,707, plus strand): 5'-TGCGGAGACTCAAGGCAGATGTCTTTAAGAACATGCCAGCCAAGACAGAGCTCATCGTTC[G>A]GGTGGAGCTAAGCCCCATGCAGAAGTAAGATGCAAGACGAGCTGCCTGGAGTAGGGCTTG-3'
Protein context (NP_001005273.1, residues 975-995): NMPAKTELIV[Arg985Gln]VELSPMQKKY